The following is an entry in ClinVar:

ClinVar aggregate classification (germline): Uncertain significance (1 of 4 stars; one submission).

Submission:

GeneDx
Classification: Uncertain significance. Last evaluated: 2024-07-11. Review status: criteria provided, single submitter. Criteria: GeneDx Variant Classification Process June 2021. Collection method: clinical testing. Allele origin: germline. Affected: yes.
Comment: Not observed at significant frequency in large population cohorts (gnomAD); In silico analysis supports that this missense variant has a deleterious effect on protein structure/function; Has not been previously published as pathogenic or benign to our knowledge

NM_001394372.1(BICRA):c.247G>T (p.Gly83Cys)

Gene: BICRA (BRD4 interacting chromatin remodeling complex associated protein; plus strand). Cytogenetic location: 19q13.33.
Variant type: single nucleotide variant.
Coding change: c.247G>T on transcript NM_001394372.1 (MANE Select); coding-DNA position 247, G replaced by T.
Protein change: p.Gly83Cys; replaces glycine 83 with cysteine.
Molecular consequence: missense variant.
Genome position (GRCh38, 1-based): chr19:47,679,417, G>T. VCF-style: chr19-47679417-G-T. GRCh37 (hg19) VCF-style: chr19-48182674-G-T.
Other names: c.247G>T, p.Gly83Cys (NM_015711.3); short protein forms G83C.
Identifiers: ClinVar variation 3572772 (VCV003572772.1).
Genomic context (GRCh38, chr19:47,679,417, plus strand): 5'-CCAGAGCCCAACCAGCCGGCCCCCAGTGTGGACCTAGACTTCCTGGAAGATGACATCCTG[G>T]GCTCTCCTGCGACAGGGGGCGGCGGCGGGGGCAGTGGGGGCGCTGACCAGCCCTGTGACA-3'
Protein context (NP_001381301.1, residues 73-93): DLDFLEDDIL[Gly83Cys]SPATGGGGGG